The following is an entry in ClinVar:

NM_020937.4(FANCM):c.5539G>T (p.Val1847Phe)

Gene: FANCM (FA complementation group M; plus strand). Cytogenetic location: 14q21.2.
Variant type: single nucleotide variant.
Coding change: c.5539G>T on transcript NM_020937.4 (MANE Select); coding-DNA position 5539, G replaced by T.
Protein change: p.Val1847Phe; replaces valine 1847 with phenylalanine.
Molecular consequence: missense variant.
Genome position (GRCh38, 1-based): chr14:45,196,370, G>T. VCF-style: chr14-45196370-G-T. GRCh37 (hg19) VCF-style: chr14-45665573-G-T.
Other names: c.5461G>T, p.Val1821Phe (NM_001308133.2); short protein forms V1821F, V1847F.
Identifiers: ClinVar variation 2138160 (VCV002138160.5), dbSNP rs2503270192, ClinGen allele CA389586074.

ClinVar aggregate classification (germline): Uncertain significance. Review status: criteria provided, multiple submitters, no conflicts (2 of 4 stars). 2 submissions from 2 submitters: Uncertain significance (2). Last evaluated 2025-12-29.

Conditions:
Inborn genetic diseases. Identifiers: MedGen C0950123, MeSH D030342.
Fanconi anemia (FA). Also called: Fanconi's anemia. Identifiers: Orphanet 84, MedGen C0015625, MeSH D005199, MONDO:0019391.

Allele frequency attached by ClinVar (database versions not stated): gnomAD exomes below 0.00001.
gnomAD v4.1: 4 of 1,614,162 alleles (0.00025%); highest among the groups gnomAD compares: Middle Eastern, 0.016%; no homozygotes.

Submissions (2):

Ambry Genetics
Classification: Uncertain significance for Inborn genetic diseases. Last evaluated: 2025-12-29. Review status: criteria provided, single submitter. Criteria: Ambry Variant Classification Scheme 2023. Collection method: clinical testing. Allele origin: germline.
Comment: The p.V1847F variant (also known as c.5539G>T), located in coding exon 21 of the FANCM gene, results from a G to T substitution at nucleotide position 5539. The valine at codon 1847 is replaced by phenylalanine, an amino acid with highly similar properties. This amino acid position is conserved. In addition, the in silico prediction for this alteration is inconclusive. Based on the available evidence, the clinical significance of this variant remains unclear.

Labcorp Genetics (formerly Invitae), Labcorp
Classification: Uncertain significance for Fanconi anemia. Last evaluated: 2022-04-09. Review status: criteria provided, single submitter. Criteria: Invitae Variant Classification Sherloc (09022015). Collection method: clinical testing. Allele origin: germline.
Comment: This sequence change replaces valine, which is neutral and non-polar, with phenylalanine, which is neutral and non-polar, at codon 1847 of the FANCM protein (p.Val1847Phe). Algorithms developed to predict the effect of missense changes on protein structure and function are either unavailable or do not agree on the potential impact of this missense change (SIFT: "Deleterious"; PolyPhen-2: "Probably Damaging"; Align-GVGD: "Class C0"). This variant has not been reported in the literature in individuals affected with FANCM-related conditions. This variant is not present in population databases (gnomAD no frequency). In summary, the available evidence is currently insufficient to determine the role of this variant in disease. Therefore, it has been classified as a Variant of Uncertain Significance.